The following is an entry in ClinVar:

ClinVar aggregate classification (germline): Uncertain significance. Review status: criteria provided, multiple submitters, no conflicts (2 of 4 stars). 2 submissions from 2 submitters: Uncertain significance (2). Last evaluated 2023-06-07.

Conditions:
Hereditary cancer-predisposing syndrome. Also called: Tumor predisposition; Hereditary Cancer Syndrome; Neoplastic Syndromes, Hereditary; Hereditary neoplastic syndrome. Identifiers: Orphanet 140162, MedGen C0027672, MeSH D009386, MONDO:0015356.
Gorlin syndrome. Also called: Basal cell nevus syndrome; Nevoid Basal Cell Carcinoma Syndrome. Identifiers: Orphanet 377, MedGen C0004779, MONDO:0007187.

gnomAD v4.1: 1 of 1,607,648 alleles (0.000062%); highest among the groups gnomAD compares: Non-Finnish European, 0.000085%; no homozygotes.

Submissions (2):

Labcorp Genetics (formerly Invitae), Labcorp
Classification: Uncertain significance for Gorlin syndrome. Last evaluated: 2023-06-07. Review status: criteria provided, single submitter. Criteria: Invitae Variant Classification Sherloc (09022015). Collection method: clinical testing. Allele origin: germline.
Comment: This variant has not been reported in the literature in individuals affected with PTCH1-related conditions. In summary, the available evidence is currently insufficient to determine the role of this variant in disease. Therefore, it has been classified as a Variant of Uncertain Significance. Advanced modeling of protein sequence and biophysical properties (such as structural, functional, and spatial information, amino acid conservation, physicochemical variation, residue mobility, and thermodynamic stability) performed at Invitae indicates that this missense variant is not expected to disrupt PTCH1 protein function. ClinVar contains an entry for this variant (Variation ID: 453774). This variant is not present in population databases (gnomAD no frequency). This sequence change replaces arginine, which is basic and polar, with cysteine, which is neutral and slightly polar, at codon 41 of the PTCH1 protein (p.Arg41Cys).

Ambry Genetics
Classification: Uncertain significance for Hereditary cancer-predisposing syndrome. Last evaluated: 2022-12-05. Review status: criteria provided, single submitter. Criteria: Ambry Variant Classification Scheme 2023. Collection method: clinical testing. Allele origin: germline.
Comment: The p.R41C variant (also known as c.121C>T), located in coding exon 1 of the PTCH1 gene, results from a C to T substitution at nucleotide position 121. The arginine at codon 41 is replaced by cysteine, an amino acid with highly dissimilar properties. This amino acid position is highly conserved in available vertebrate species. In addition, the in silico prediction for this alteration is inconclusive. Since supporting evidence is limited at this time, the clinical significance of this alteration remains unclear.

NM_000264.5(PTCH1):c.121C>T (p.Arg41Cys)

Genes: PTCH1 (patched 1; minus strand), LOC130002133 (ATAC-STARR-seq lymphoblastoid silent region 20071; plus strand). Cytogenetic location: 9q22.32.
Variant type: single nucleotide variant.
Coding change: c.121C>T on transcript NM_000264.5 (MANE Select); coding-DNA position 121, C replaced by T.
Protein change: p.Arg41Cys; replaces arginine 41 with cysteine.
Molecular consequence: missense variant. On other transcripts: non-coding transcript variant (1), intron variant (3).
Genome position (GRCh38, 1-based): chr9:95,508,241, G>A on the plus strand (C>T on the coding strand, the complement: PTCH1 is on the minus strand). VCF-style: chr9-95508241-G-A. GRCh37 (hg19) VCF-style: chr9-98270523-G-A.
Other names: c.121C>T, p.Arg41Cys (NM_001354918.2); c.199-1642C>T (NM_001083603.3); c.4-1642C>T (NM_001083602.3, NM_001354919.2); short protein forms R41C.
Identifiers: ClinVar variation 453774 (VCV000453774.10), dbSNP rs1554709496, ClinGen allele CA374121396.